The following is an entry in ClinVar:

ClinVar aggregate classification (germline): Uncertain significance. Review status: criteria provided, multiple submitters, no conflicts (2 of 4 stars). 2 submissions from 2 submitters: Uncertain significance (2). Last evaluated 2023-06-12.

Allele frequency attached by ClinVar (database versions not stated): gnomAD exomes 0.00001; TOPMed 0.00001; ExAC 0.00002; gnomAD 0.00001.
gnomAD v4.1: 7 of 1,612,036 alleles (0.00043%); highest among the groups gnomAD compares: African/African-American, 0.004%; no homozygotes.

Submissions (2):

Revvity Omics, Revvity
Classification: Uncertain significance. Last evaluated: 2023-06-12. Review status: criteria provided, single submitter. Criteria: ACMG Guidelines, 2015. Collection method: clinical testing. Allele origin: germline.

GeneDx
Classification: Uncertain significance. Last evaluated: 2014-11-11. Review status: criteria provided, single submitter. Criteria: GeneDx Variant Classification (06012015). Collection method: clinical testing. Allele origin: germline. Affected: yes.
Comment: Missense variants in the TTN gene are considered 'unclassified' if they are not previously reported in the literature and do not have >1% frequency in the population to be considered a polymorphism. Research indicates that truncating mutations in the TTN gene are expected to account for approximately 25% of familial and 18% of sporadic idiopathic DCM; however, truncating variants in the TTN gene have been reported in approximately 3% of reported control alleles. There has been little investigation into non-truncating variants. (Herman D et al. Truncations of titin causing dilated cardiomyopathy. N Eng J Med 366:619-628, 2012) The variant is found in CARDIOMYOPATHY panel(s).

NM_001267550.2(TTN):c.71326G>A (p.Glu23776Lys)

Genes: TTN (titin; minus strand), TTN-AS1 (TTN antisense RNA 1; plus strand). Cytogenetic location: 2q31.2.
Variant type: single nucleotide variant.
Coding change: c.71326G>A on transcript NM_001267550.2 (MANE Select); coding-DNA position 71326, G replaced by A.
Protein change: p.Glu23776Lys; replaces glutamic acid 23776 with lysine.
Molecular consequence: missense variant.
Genome position (GRCh38, 1-based): chr2:178,574,806, C>T on the plus strand (G>A on the coding strand, the complement: TTN is on the minus strand). VCF-style: chr2-178574806-C-T. GRCh37 (hg19) VCF-style: chr2-179439533-C-T.
Other names: p.E22135K:GAG>AAG; c.66403G>A, p.Glu22135Lys (NM_001256850.1); c.44131G>A, p.Glu14711Lys (NM_003319.4); c.63622G>A, p.Glu21208Lys (NM_133378.4); c.44506G>A, p.Glu14836Lys (NM_133432.3); c.44707G>A, p.Glu14903Lys (NM_133437.4); short protein forms E22135K, E23776K, E14711K, E14836K, E21208K, E14903K.
Identifiers: ClinVar variation 202833 (VCV000202833.5), dbSNP rs746336948, ClinGen allele CA310427.